The following is an entry in ClinVar:

ClinVar aggregate classification (germline): Uncertain significance (1 of 4 stars; one submission).

Allele frequency attached by ClinVar (database versions not stated): gnomAD exomes below 0.00001 and 0.00006; ExAC 0.00001; TOPMed 0.00002; gnomAD 0.00003; ESP Exome Variant Server 0.00008.
gnomAD v4.1: 86 of 1,612,006 alleles (0.0053%); highest among the groups gnomAD compares: Non-Finnish European, 0.0072%; no homozygotes.

Submission:

Labcorp Genetics (formerly Invitae), Labcorp
Classification: Uncertain significance. Last evaluated: 2025-09-19. Review status: criteria provided, single submitter. Criteria: Invitae Variant Classification Sherloc (09022015). Collection method: clinical testing. Allele origin: germline.
Comment: This sequence change replaces histidine, which is basic and polar, with tyrosine, which is neutral and polar, at codon 275 of the NDUFA9 protein (p.His275Tyr). This variant is present in population databases (rs377759212, gnomAD 0.002%). This variant has not been reported in the literature in individuals affected with NDUFA9-related conditions. ClinVar contains an entry for this variant (Variation ID: 1422542). An algorithm developed to predict the effect of missense changes on protein structure and function (PolyPhen-2) suggests that this variant is likely to be tolerated. In summary, the available evidence is currently insufficient to determine the role of this variant in disease. Therefore, it has been classified as a Variant of Uncertain Significance.

NM_005002.5(NDUFA9):c.823C>T (p.His275Tyr)

Gene: NDUFA9 (NADH:ubiquinone oxidoreductase subunit A9; plus strand). Cytogenetic location: 12p13.32.
Variant type: single nucleotide variant.
Coding change: c.823C>T on transcript NM_005002.5 (MANE Select); coding-DNA position 823, C replaced by T.
Protein change: p.His275Tyr; replaces histidine 275 with tyrosine.
Molecular consequence: missense variant.
Genome position (GRCh38, 1-based): chr12:4,682,227, C>T. VCF-style: chr12-4682227-C-T. GRCh37 (hg19) VCF-style: chr12-4791393-C-T.
Other names: short protein forms H275Y.
Identifiers: ClinVar variation 1422542 (VCV001422542.6), dbSNP rs377759212, ClinGen allele CA6398249.